The following is an entry in ClinVar:

NM_000719.7(CACNA1C):c.3236G>A (p.Gly1079Glu)

Gene: CACNA1C (calcium voltage-gated channel subunit alpha1 C; plus strand). Cytogenetic location: 12p13.33.
Variant type: single nucleotide variant.
Coding change: c.3236G>A on transcript NM_000719.7 (MANE Select); coding-DNA position 3236, G replaced by A.
Protein change: p.Gly1079Glu; replaces glycine 1079 with glutamic acid.
Molecular consequence: missense variant.
Genome position (GRCh38, 1-based): chr12:2,607,010, G>A. VCF-style: chr12-2607010-G-A. GRCh37 (hg19) VCF-style: chr12-2716176-G-A.
Other names: c.3296G>A, p.Gly1099Glu (NM_001129827.2, NM_001129832.2, NM_199460.4); c.3236G>A, p.Gly1079Glu (NM_001129829.2, NM_001129830.3, NM_001129831.2 and 15 more transcripts); c.3227G>A, p.Gly1076Glu (NM_001129844.2); short protein forms G1076E, G1079E, G1099E.
Identifiers: ClinVar variation 5042031 (VCV005042031.1).
Genomic context (GRCh38, chr12:2,607,010, plus strand): 5'-ATCCCAGAGTAAACTCCTTCTCCTCCTCTCTCAGGGGCAACTACATCACGTACAAAGACG[G>A]GGAGGTTGACCACCCCATCATCCAACCCCGCAGCTGGGAGAACAGCAAGTTTGACTTTGA-3'
Protein context (NP_000710.5, residues 1069-1089): CKGNYITYKD[Gly1079Glu]EVDHPIIQPR

ClinVar aggregate classification (germline): Uncertain significance (1 of 4 stars; one submission).

Conditions:
Neurodevelopmental disorder with hypotonia, language delay, and skeletal defects with or without seizures (NEDHLSS). Identifiers: MedGen C5774213, MONDO:0859286, OMIM 620029.

gnomAD v4.1: 1 of 1,613,990 alleles (0.000062%); highest among the groups gnomAD compares: South Asian, 0.0011%; no homozygotes.

Submission:

Clinical Genetics Laboratory, University Hospital Schleswig-Holstein
Classification: Uncertain significance for Neurodevelopmental disorder with hypotonia, language delay, and skeletal defects with or without seizures. Last evaluated: 2025-03-17. Review status: criteria provided, single submitter. Criteria: ACMG Guidelines, 2015. Collection method: clinical testing. Allele origin: germline. Affected: yes. Observed: 1 heterozygote.
Comment: ACMG criteria applied: PM2, PP3, PP2